The following is an entry in ClinVar:

NC_000017.10:g.(?_29585352)_(29588885_?)dup

Gene: NF1 (neurofibromin 1; plus strand). Cytogenetic location: 17q11.2.
Variant type: Duplication.
Identifiers: ClinVar variation 2422738 (VCV002422738.4).

ClinVar aggregate classification (germline): Likely pathogenic (1 of 4 stars; one submission).

Conditions:
Neurofibromatosis, type 1 (NF1). Also called: Peripheral type neurofibromatosis; VON RECKLINGHAUSEN DISEASE; NEUROFIBROMATOSIS, TYPE I, SOMATIC; Neurofibromatosis, type I. Identifiers: Orphanet 636, MedGen C0027831, MONDO:0018975, OMIM 162200. Disease mechanism: loss of function.

Submission:

Labcorp Genetics (formerly Invitae), Labcorp
Classification: Likely pathogenic for Neurofibromatosis, type 1. Last evaluated: 2022-06-13. Review status: criteria provided, single submitter. Criteria: Invitae Variant Classification Sherloc (09022015). Collection method: clinical testing. Allele origin: germline.
Comment: In summary, the currently available evidence indicates that the variant is pathogenic, but additional data are needed to prove that conclusively. Therefore, this variant has been classified as Likely Pathogenic. This variant has not been reported in the literature in individuals affected with NF1-related conditions. This variant results in a copy number gain of the genomic region encompassing exon(s) 31-34 of the NF1 gene. While the exact position of this variant cannot be determined from the data, sub-genic copy number gains are generally in tandem (PMID: 25640679). This variant is predicted to be out-of-frame, and may result in an absent or disrupted protein product. Loss-of-function variants in NF1 are known to be pathogenic (PMID: 10712197, 23913538).

Literature cited by the submitters: PubMed 25640679; PubMed 10712197; PubMed 23913538.